The following is an entry in ClinVar:

ClinVar aggregate classification (germline): Uncertain significance. Review status: criteria provided, multiple submitters, no conflicts (2 of 4 stars). 4 submissions from 4 submitters: Uncertain significance (3). 1 of the submissions does not count toward it. Last evaluated 2025-08-20.

Conditions:
Microcephalic primordial dwarfism due to ZNF335 deficiency. Also called: Primary autosomal recessive microcephaly 10. Identifiers: Orphanet 329228, MedGen C3554499, MONDO:0014043, OMIM 615095.

Allele frequency attached by ClinVar (database versions not stated): ESP Exome Variant Server 0.00008; ExAC 0.00009; gnomAD exomes 0.00010 and 0.00043; TOPMed 0.00019; gnomAD 0.00024 and 0.00025.
gnomAD v4.1: 693 of 1,613,808 alleles (0.043%); highest among the groups gnomAD compares: Non-Finnish European, 0.054%; 1 homozygote.

Submissions (4):

GeneDx
Classification: Uncertain significance. Last evaluated: 2025-08-20. Review status: criteria provided, single submitter. Criteria: GeneDx Variant Classification Process June 2021. Collection method: clinical testing. Allele origin: germline. Affected: yes.
Comment: Identified in a patient with history of microcephaly, hypertonia, and hypomyelination of white matter in published literature (PMID: 29652087); In silico analysis suggests that this missense variant does not alter protein structure/function; This variant is associated with the following publications: (PMID: 29652087)

Fulgent Genetics
Classification: Uncertain significance for Microcephalic primordial dwarfism due to ZNF335 deficiency. Last evaluated: 2022-03-02. Review status: criteria provided, single submitter. Criteria: ACMG Guidelines, 2015. Collection method: clinical testing. Allele origin: unknown.

Victorian Clinical Genetics Services, Murdoch Childrens Research Institute
Classification: Uncertain significance for Microcephalic primordial dwarfism due to ZNF335 deficiency. Last evaluated: 2021-05-06. Review status: criteria provided, single submitter. Criteria: ACMG Guidelines, 2015. Collection method: clinical testing. Allele origin: germline. Inheritance: Autosomal recessive inheritance.
Comment: Based on the classification scheme VCGS_Germline_v1.3.4, this variant is classified as VUS-3B. Following criteria are met: 0102 - Loss of function is a known mechanism of disease in this gene and is associated with primary microcephaly 10 (MIM#615095). (I) 0106 - This gene is associated with autosomal recessive disease. (I) 0200 - Variant is predicted to result in a missense amino acid change from glutamic acid to glycine. (I) 0251 - This variant is heterozygous. (I) 0304 - Variant is present in gnomAD (v3) <0.01 for a recessive condition (36 heterozygotes, 0 homozygotes). (SP) 0309 - An alternative amino acid change at the same position has been observed in gnomAD (v2) (9 heterozygotes, 0 homozygotes). (I) 0502 - Missense variant with conflicting in silico predictions and uninformative conservation. (I) 0604 - Variant is not located in an established domain, motif, hotspot or informative constraint region. (I) 0705 - No comparable missense variants have previous evidence for pathogenicity. (I) 0809 - Previous evidence of pathogenicity for this variant is inconclusive. This variant has been reported as VUS in a patient with microcephaly (ClinVar, PMID: 29652087). (I) 0905 - No published segregation evidence has been identified for this variant. (I) 1007 - No published functional evidence has been identified for this variant. (I) 1208 - Inheritance information for this variant is not currently available in this individual. (I) Legend: (SP) - Supporting pathogenic, (I) - Information, (SB) - Supporting benign

OMIM
Classification: Pathogenic for MICROCEPHALY 10, PRIMARY, AUTOSOMAL RECESSIVE. Last evaluated: 2019-02-19. Review status: no assertion criteria provided. Collection method: literature only. Allele origin: germline. Not counted in ClinVar's aggregate classification.

Literature cited by the submitters: PubMed 29652087 (cited by Victorian Clinical Genetics Services, Murdoch Childrens Research Institute and OMIM).

NM_022095.4(ZNF335):c.3998A>G (p.Glu1333Gly)

Gene: ZNF335 (zinc finger protein 335; minus strand). Cytogenetic location: 20q13.12.
Variant type: single nucleotide variant.
Coding change: c.3998A>G on transcript NM_022095.4 (MANE Select); coding-DNA position 3998, A replaced by G.
Protein change: p.Glu1333Gly; replaces glutamic acid 1333 with glycine.
Molecular consequence: missense variant.
Genome position (GRCh38, 1-based): chr20:45,948,984, T>C on the plus strand (A>G on the coding strand, the complement: ZNF335 is on the minus strand). VCF-style: chr20-45948984-T-C. GRCh37 (hg19) VCF-style: chr20-44577623-T-C.
Other names: short protein forms E1333G.
Identifiers: ClinVar variation 453188 (VCV000453188.8), dbSNP rs200635860, ClinGen allele CA9884741.